The following is an entry in ClinVar:

NM_001367624.2(ZNF469):c.5913C>G (p.Ala1971=)

Gene: ZNF469 (zinc finger protein 469; plus strand). Cytogenetic location: 16q24.2.
Variant type: single nucleotide variant.
Coding change: c.5913C>G on transcript NM_001367624.2 (MANE Select); coding-DNA position 5913, C replaced by G.
Protein change: p.Ala1971=; no amino-acid change (alanine 1971 retained).
Molecular consequence: synonymous variant.
Genome position (GRCh38, 1-based): chr16:88,433,383, C>G. VCF-style: chr16-88433383-C-G. GRCh37 (hg19) VCF-style: chr16-88499791-C-G.
Other names: NM_001127464.2:c.5829C>G; NM_001127464.1:c.5829C>G.
Identifiers: ClinVar variation 2991348 (VCV002991348.6), dbSNP rs139723958, ClinGen allele CA497355754.

ClinVar aggregate classification (germline): Likely benign. Review status: criteria provided, multiple submitters, no conflicts (2 of 4 stars). 3 submissions from 3 submitters: Likely benign (2). 1 of the submissions does not count toward it. Last evaluated 2025-02-06.

Conditions:
Cardiovascular phenotype. Identifiers: MedGen CN230736.
ZNF469-related disorder. Also called: ZNF469-related condition.

gnomAD v4.1: 3 of 1,550,302 alleles (0.00019%); highest among the groups gnomAD compares: Admixed American, 0.002%; no homozygotes.

Submissions (3):

Ambry Genetics
Classification: Likely benign for Cardiovascular phenotype. Last evaluated: 2025-02-06. Review status: criteria provided, single submitter. Criteria: Ambry Variant Classification Scheme 2023. Collection method: clinical testing. Allele origin: germline.

Labcorp Genetics (formerly Invitae), Labcorp
Classification: Likely benign. Last evaluated: 2024-01-12. Review status: criteria provided, single submitter. Criteria: Invitae Variant Classification Sherloc (09022015). Collection method: clinical testing. Allele origin: germline.

PreventionGenetics, part of Exact Sciences
Classification: Likely benign for ZNF469-related condition. Last evaluated: 2022-03-29. Review status: no assertion criteria provided. Collection method: clinical testing. Allele origin: germline. Not counted in ClinVar's aggregate classification.
Comment: This variant is classified as likely benign based on ACMG/AMP sequence variant interpretation guidelines (Richards et al. 2015 PMID: 25741868, with internal and published modifications).